The following is an entry in ClinVar:

ClinVar aggregate classification (germline): Uncertain significance (1 of 4 stars; one submission).

Conditions:
Arrhythmogenic cardiomyopathy with wooly hair and keratoderma. Also called: PALMOPLANTAR KERATODERMA WITH LEFT VENTRICULAR CARDIOMYOPATHY AND WOOLLY HAIR; Carvajal syndrome; Dilated cardiomyopathy with woolly hair and keratoderma; Arrhythmogenic cardiomyopathy with woolly hair and keratoderma. Identifiers: Orphanet 65282, MedGen C1854063, MONDO:0011581, OMIM 605676.
Arrhythmogenic right ventricular dysplasia 8 (ARVD8). Also called: Arrhythmogenic Right Ventricular Dysplasia/Cardiomyopathy 8; ARRHYTHMOGENIC RIGHT VENTRICULAR DYSPLASIA, FAMILIAL, 8; ARRHYTHMOGENIC RIGHT VENTRICULAR CARDIOMYOPATHY 8. Identifiers: MedGen C1843896, MONDO:0011831, OMIM 607450.

Submission:

Labcorp Genetics (formerly Invitae), Labcorp
Classification: Uncertain significance for Arrhythmogenic cardiomyopathy with wooly hair and keratoderma; Arrhythmogenic right ventricular dysplasia 8. Last evaluated: 2024-12-04. Review status: criteria provided, single submitter. Criteria: Invitae Variant Classification Sherloc (09022015). Collection method: clinical testing. Allele origin: germline.
Comment: This sequence change replaces glycine, which is neutral and non-polar, with arginine, which is basic and polar, at codon 2832 of the DSP protein (p.Gly2832Arg). This variant is present in population databases (rs764715107, gnomAD 0.007%). This variant has not been reported in the literature in individuals affected with DSP-related conditions. An algorithm developed to predict the effect of missense changes on protein structure and function (PolyPhen-2) suggests that this variant is likely to be disruptive. In summary, the available evidence is currently insufficient to determine the role of this variant in disease. Therefore, it has been classified as a Variant of Uncertain Significance.

NM_004415.4(DSP):c.8494G>A (p.Gly2832Arg)

Gene: DSP (desmoplakin; plus strand). Cytogenetic location: 6p24.3.
Variant type: single nucleotide variant.
Coding change: c.8494G>A on transcript NM_004415.4 (MANE Select); coding-DNA position 8494, G replaced by A.
Protein change: p.Gly2832Arg; replaces glycine 2832 with arginine.
Molecular consequence: missense variant.
Genome position (GRCh38, 1-based): chr6:7,585,756, G>A. VCF-style: chr6-7585756-G-A. GRCh37 (hg19) VCF-style: chr6-7585989-G-A.
Other names: c.6697G>A, p.Gly2233Arg (NM_001008844.3); c.7165G>A, p.Gly2389Arg (NM_001319034.2); short protein forms G2233R, G2389R, G2832R.
Identifiers: ClinVar variation 3759965 (VCV003759965.2).